The following is an entry in ClinVar:

ClinVar aggregate classification (germline): Pathogenic (1 of 4 stars; one submission).

Conditions:
Peutz-Jeghers syndrome (PJS). Also called: Peutz-Jeghers polyposis; Periorificial lentiginosis syndrome; POLYPOSIS, HAMARTOMATOUS INTESTINAL; POLYPS-AND-SPOTS SYNDROME. Identifiers: Orphanet 2869, MedGen C0031269, MeSH D010580, MONDO:0008280, OMIM 175200.

Submission:

Labcorp Genetics (formerly Invitae), Labcorp
Classification: Pathogenic for Peutz-Jeghers syndrome. Last evaluated: 2024-04-24. Review status: criteria provided, single submitter. Criteria: Invitae Variant Classification Sherloc (09022015). Collection method: clinical testing. Allele origin: germline.
Comment: This sequence change creates a premature translational stop signal (p.Glu2*) in the STK11 gene. It is expected to result in an absent or disrupted protein product. Loss-of-function variants in STK11 are known to be pathogenic (PMID: 15188174, 16287113). This variant is not present in population databases (gnomAD no frequency). This variant has not been reported in the literature in individuals affected with STK11-related conditions. For these reasons, this variant has been classified as Pathogenic.

Literature cited by the submitters: PubMed 15188174; PubMed 16287113.

NM_000455.5(STK11):c.4G>T (p.Glu2Ter)

Gene: STK11 (serine/threonine kinase 11; plus strand). Cytogenetic location: 19p13.3.
Variant type: single nucleotide variant.
Coding change: c.4G>T on transcript NM_000455.5 (MANE Select); coding-DNA position 4, G replaced by T.
Protein change: p.Glu2Ter; replaces glutamic acid 2 with a stop codon.
Molecular consequence: nonsense. On other transcripts: non-coding transcript variant (1).
Genome position (GRCh38, 1-based): chr19:1,206,917, G>T. VCF-style: chr19-1206917-G-T. GRCh37 (hg19) VCF-style: chr19-1206916-G-T.
Other names: c.4G>T, p.Glu2Ter (NM_001407255.1); short protein forms E2*.
Identifiers: ClinVar variation 3702423 (VCV003702423.2).
Genomic context (GRCh38, chr19:1,206,917, plus strand): 5'-GACCGCTCACCCGCGGACTCAGGGCTGGCGGCGGGACTCCAGGACCCTGGGTCCAGCATG[G>T]AGGTGGTGGACCCGCAGCAGCTGGGCATGTTCACGGAGGGCGAGCTGATGTCGGTGGGTA-3'